The following is an entry in ClinVar:

NM_001378454.1(ALMS1):c.3176T>A (p.Leu1059Ter)

Gene: ALMS1 (ALMS1 centrosome and basal body associated protein; plus strand). Cytogenetic location: 2p13.1.
Variant type: single nucleotide variant.
Coding change: c.3176T>A on transcript NM_001378454.1 (MANE Select); coding-DNA position 3176, T replaced by A.
Protein change: p.Leu1059Ter; replaces leucine 1059 with a stop codon.
Molecular consequence: nonsense.
Genome position (GRCh38, 1-based): chr2:73,449,703, T>A. VCF-style: chr2-73449703-T-A. GRCh37 (hg19) VCF-style: chr2-73676830-T-A.
Other names: c.3179T>A, p.Leu1060Ter (NM_015120.4); short protein forms L1059*, L1060*.
Identifiers: ClinVar variation 1724795 (VCV001724795.2), dbSNP rs982144870, ClinGen allele CA347274111.

ClinVar aggregate classification (germline): Likely pathogenic (1 of 4 stars; one submission).

Conditions:
Alstrom syndrome (ALMS). Identifiers: Orphanet 64, MedGen C0268425, MONDO:0008763, OMIM 203800.

Submission:

Myriad Genetics, Inc.
Classification: Likely pathogenic for Alstrom syndrome. Last evaluated: 2022-02-27. Review status: criteria provided, single submitter. Criteria: Myriad Women's Health Autosomal Recessive and X-Linked Classification Criteria (2021). Collection method: clinical testing. Allele origin: unknown.
Comment: NM_015120.4(ALMS1):c.3179T>A(L1060*) is expected to be pathogenic in the context of Alstrom syndrome. This variant is predicted to lead to an abnormal or absent protein product due to the creation of a premature termination codon in ALMS1, a gene where loss-of-function variants are known to be pathogenic. Please note: this variant was assessed in the context of healthy population screening.